The following is an entry in ClinVar:

ClinVar aggregate classification (germline): Uncertain significance (1 of 4 stars; one submission).

Conditions:
Inborn genetic diseases. Identifiers: MedGen C0950123, MeSH D030342.

Submission:

Ambry Genetics
Classification: Uncertain significance for Inborn genetic diseases. Last evaluated: 2024-12-07. Review status: criteria provided, single submitter. Criteria: Ambry Variant Classification Scheme 2023. Collection method: clinical testing. Allele origin: germline.
Comment: The p.Q905E variant (also known as c.2713C>G), located in coding exon 21 of the BUB1B gene, results from a C to G substitution at nucleotide position 2713. The glutamine at codon 905 is replaced by glutamic acid, an amino acid with highly similar properties. This amino acid position is conserved. In addition, this alteration is predicted to be tolerated by in silico analysis. Based on the available evidence, the clinical significance of this variant remains unclear.

NM_001211.6(BUB1B):c.2713C>G (p.Gln905Glu)

Genes: BUB1B (BUB1 mitotic checkpoint serine/threonine kinase B; plus strand), BUB1B-PAK6 (BUB1B-PAK6 readthrough; plus strand). Cytogenetic location: 15q15.1.
Variant type: single nucleotide variant.
Coding change: c.2713C>G on transcript NM_001211.6 (MANE Select); coding-DNA position 2713, C replaced by G.
Protein change: p.Gln905Glu; replaces glutamine 905 with glutamic acid.
Molecular consequence: missense variant. On other transcripts: 5 prime UTR variant (2).
Genome position (GRCh38, 1-based): chr15:40,217,530, C>G. VCF-style: chr15-40217530-C-G. GRCh37 (hg19) VCF-style: chr15-40509731-C-G.
Other names: c.-338C>G (NM_001128628.3); c.-255C>G (NM_001128629.3); short protein forms Q905E.
Identifiers: ClinVar variation 3483254 (VCV003483254.1).